The following is an entry in ClinVar:

NM_001368809.2(AMPD2):c.2157G>A (p.Lys719=)

Gene: AMPD2 (adenosine monophosphate deaminase 2; plus strand). Cytogenetic location: 1p13.3.
Variant type: single nucleotide variant.
Coding change: c.2157G>A on transcript NM_001368809.2 (MANE Select); coding-DNA position 2157, G replaced by A.
Protein change: p.Lys719=; no amino-acid change (lysine 719 retained).
Molecular consequence: synonymous variant.
Genome position (GRCh38, 1-based): chr1:109,630,406, G>A. VCF-style: chr1-109630406-G-A. GRCh37 (hg19) VCF-style: chr1-110173028-G-A.
Other names: c.1965G>A, p.Lys655= (NM_001257361.2); c.2094G>A, p.Lys698= (NM_001308170.1); c.2157G>A, p.Lys719= (NM_004037.9); c.2076G>A, p.Lys692= (NM_139156.4).
Identifiers: ClinVar variation 1374230 (VCV001374230.6), dbSNP rs2101174469, ClinGen allele CA419374061.

ClinVar aggregate classification (germline): Uncertain significance (1 of 4 stars; one submission).

Conditions:
Hereditary spastic paraplegia 63. Also called: Spastic paraplegia 63, autosomal recessive. Identifiers: Orphanet 401805, MedGen C3810295, MONDO:0014305, OMIM 615686.
Pontocerebellar hypoplasia type 9. Identifiers: Orphanet 369920, MedGen C4014354, MONDO:0014351, OMIM 615809.

gnomAD v4.1: 1 of 1,600,130 alleles (0.000062%); highest among the groups gnomAD compares: Non-Finnish European, 0.000085%; no homozygotes.

Submission:

Labcorp Genetics (formerly Invitae), Labcorp
Classification: Uncertain significance for Pontocerebellar hypoplasia type 9; Hereditary spastic paraplegia 63. Last evaluated: 2021-10-15. Review status: criteria provided, single submitter. Criteria: Invitae Variant Classification Sherloc (09022015). Collection method: clinical testing. Allele origin: germline.
Comment: This sequence change affects codon 773 of the AMPD2 mRNA. It is a 'silent' change, meaning that it does not change the encoded amino acid sequence of the AMPD2 protein. This variant also falls at the last nucleotide of exon 17, which is part of the consensus splice site for this exon. This variant is not present in population databases (ExAC no frequency). This variant has not been reported in the literature in individuals affected with AMPD2-related conditions. Variants that disrupt the consensus splice site are a relatively common cause of aberrant splicing (PMID: 17576681, 9536098). Algorithms developed to predict the effect of sequence changes on RNA splicing suggest that this variant may disrupt the consensus splice site. In summary, the available evidence is currently insufficient to determine the role of this variant in disease. Therefore, it has been classified as a Variant of Uncertain Significance.

Literature cited by the submitters: PubMed 17576681; PubMed 9536098.